The following is an entry in ClinVar:

ClinVar aggregate classification (germline): Likely benign (1 of 4 stars; one submission).

Allele frequency attached by ClinVar (database versions not stated): ExAC 0.00001; gnomAD exomes 0.00001; TOPMed 0.00002.
gnomAD v4.1: 14 of 1,585,592 alleles (0.00088%); highest among the groups gnomAD compares: East Asian, 0.018%; no homozygotes.

Submission:

CeGaT Center for Human Genetics Tuebingen
Classification: Likely benign. Last evaluated: 2023-11-01. Review status: criteria provided, single submitter. Criteria: CeGaT Center For Human Genetics Tuebingen Variant Classification Criteria Version 2. Collection method: clinical testing. Allele origin: germline. Affected: yes. Observed: 1 variant allele.
Comment: AKT3: BP4, BP7

NM_005465.7(AKT3):c.693C>T (p.Gly231=)

Gene: AKT3 (AKT serine/threonine kinase 3; minus strand). Cytogenetic location: 1q44.
Variant type: single nucleotide variant.
Coding change: c.693C>T on transcript NM_005465.7 (MANE Select); coding-DNA position 693, C replaced by T.
Protein change: p.Gly231=; no amino-acid change (glycine 231 retained).
Molecular consequence: synonymous variant.
Genome position (GRCh38, 1-based): chr1:243,613,674, G>A on the plus strand (C>T on the coding strand, the complement: AKT3 is on the minus strand). VCF-style: chr1-243613674-G-A. GRCh37 (hg19) VCF-style: chr1-243776976-G-A.
Other names: c.693C>T, p.Gly231= (NM_001206729.2, NM_001370074.1, NM_181690.2).
Identifiers: ClinVar variation 2672391 (VCV002672391.23), dbSNP rs752740384, ClinGen allele CA1484054.